The following is an entry in ClinVar:

NM_015102.5(NPHP4):c.3164C>T (p.Pro1055Leu)

Gene: NPHP4 (nephrocystin 4; minus strand). Cytogenetic location: 1p36.31.
Variant type: single nucleotide variant.
Coding change: c.3164C>T on transcript NM_015102.5 (MANE Select); coding-DNA position 3164, C replaced by T.
Protein change: p.Pro1055Leu; replaces proline 1055 with leucine.
Molecular consequence: missense variant. On other transcripts: non-coding transcript variant (1).
Genome position (GRCh38, 1-based): chr1:5,874,538, G>A on the plus strand (C>T on the coding strand, the complement: NPHP4 is on the minus strand). VCF-style: chr1-5874538-G-A. GRCh37 (hg19) VCF-style: chr1-5934598-G-A.
Other names: c.1625C>T, p.Pro542Leu (NM_001291593.2); c.1628C>T, p.Pro543Leu (NM_001291594.2); short protein forms P1055L, P542L, P543L.
Identifiers: ClinVar variation 1302630 (VCV001302630.2), dbSNP rs1398568182, ClinGen allele CA338055633.

ClinVar aggregate classification (germline): Uncertain significance (1 of 4 stars; one submission).

Allele frequency attached by ClinVar (database versions not stated): gnomAD exomes below 0.00001; TOPMed 0.00001.
gnomAD v4.1: 24 of 1,598,354 alleles (0.0015%); highest among the groups gnomAD compares: Non-Finnish European, 0.0018%; 1 homozygote.

Submission:

GeneDx
Classification: Uncertain significance. Last evaluated: 2019-05-06. Review status: criteria provided, single submitter. Criteria: GeneDx Variant Classification Process June 2021. Collection method: clinical testing. Allele origin: germline. Affected: yes.
Comment: Not observed in large population cohorts (Lek et al., 2016); In silico analysis, which includes protein predictors and evolutionary conservation, supports a deleterious effect; Has not been previously published as pathogenic or benign to our knowledge